The following is an entry in ClinVar:

NM_000289.6(PFKM):c.242del (p.Gly81fs)

Gene: PFKM (phosphofructokinase, muscle; plus strand). Cytogenetic location: 12q13.11.
Variant type: Deletion.
Coding change: c.242del on transcript NM_000289.6 (MANE Select); coding-DNA position 242, one base deleted (G; older notation c.242delG).
Protein change: p.Gly81fs; shifts the reading frame from glycine 81.
Molecular consequence: frameshift variant. On other transcripts: non-coding transcript variant (6).
Genome position (GRCh38, 1-based): chr12:48,132,872, G deleted; the last of 2 consecutive G bases (chr12:48,132,871-48,132,872); deleting either gives the same sequence. VCF-style (leftmost placement, unchanged base first): chr12-48132870-AG-A. GRCh37 (hg19) VCF-style: chr12-48526653-AG-A.
Other names: c.455del, p.Gly152fs (NM_001166686.2, NM_001354737.1, NM_001354738.1 and 2 more transcripts); c.242del, p.Gly81fs (NM_001166687.2, NM_001166688.2, NM_001354742.2 and 4 more transcripts); c.551del, p.Gly184fs (NM_001354735.1, NM_001354736.1); c.386del, p.Gly129fs (NM_001354740.1); c.266del, p.Gly89fs (NM_001354741.2); c.155del, p.Gly52fs (NM_001354745.2); c.92del, p.Gly31fs (NM_001354747.2, NM_001354748.2); short protein forms G129fs, G152fs, G184fs, G31fs, G52fs, G81fs, G89fs.
Identifiers: ClinVar variation 5013749 (VCV005013749.1).

ClinVar aggregate classification (germline): Pathogenic (1 of 4 stars; one submission).

Conditions:
Glycogen storage disease, type VII (GSD7). Also called: GSD VII; MUSCLE PHOSPHOFRUCTOKINASE DEFICIENCY; PFKM DEFICIENCY; TARUI DISEASE. Identifiers: Orphanet 371, MedGen C0017926, MONDO:0009295, OMIM 232800.

Submission:

Myriad Genetics, Inc.
Classification: Pathogenic for Glycogen storage disease, type VII. Last evaluated: 2024-11-13. Review status: criteria provided, single submitter. Criteria: Myriad Autosomal Dominant, Autosomal Recessive and X-Linked Classification Criteria (2023). Collection method: clinical testing. Allele origin: unknown.
Comment: NM_001166686.1(PFKM):c.455delG(G152Afs*3) is expected to be pathogenic in the context of glycogen storage disease, PFKM-related. This variant is predicted to lead to an abnormal or absent protein product due to the creation of a premature termination codon in PFKM, a gene where loss-of-function variants are known to be pathogenic. Please note: this variant was assessed in the context of healthy population screening.